The following is an entry in ClinVar:

NM_001556.3(IKBKB):c.11C>A (p.Ser4Ter)

Gene: IKBKB (inhibitor of nuclear factor kappa B kinase subunit beta; plus strand). Cytogenetic location: 8p11.21.
Variant type: single nucleotide variant.
Coding change: c.11C>A on transcript NM_001556.3 (MANE Select); coding-DNA position 11, C replaced by A.
Protein change: p.Ser4Ter; replaces serine 4 with a stop codon.
Molecular consequence: nonsense. On other transcripts: 5 prime UTR variant (1), non-coding transcript variant (3), intron variant (1).
Genome position (GRCh38, 1-based): chr8:42,272,111, C>A. VCF-style: chr8-42272111-C-A. GRCh37 (hg19) VCF-style: chr8-42129629-C-A.
Other names: c.-72C>A (NM_001242778.2); c.-88+642C>A (NM_001190720.3); short protein forms S4*.
Identifiers: ClinVar variation 2632828 (VCV002632828.1), dbSNP rs2487009371, ClinGen allele CA371088118.

ClinVar aggregate classification (germline): Likely pathogenic (1 of 4 stars; one submission).

Conditions:
IKBKB-related disorder. Also called: IKBKB-related condition.

Submission:

PreventionGenetics, part of Exact Sciences
Classification: Likely pathogenic for IKBKB-related condition. Last evaluated: 2023-05-01. Review status: criteria provided, single submitter. Criteria: ACMG Guidelines, 2015. Collection method: clinical testing. Allele origin: germline.
Comment: The IKBKB c.11C>A variant is predicted to result in premature protein termination (p.Ser4*). To our knowledge, this variant has not been reported in the literature or in a large population database, indicating this variant is rare. Nonsense variants in IKBKB are expected to be pathogenic. This variant is interpreted as likely pathogenic.